The following is an entry in ClinVar:

NM_031942.5(CDCA7):c.881A>T (p.Asp294Val)

Gene: CDCA7 (cell division cycle associated 7; plus strand). Cytogenetic location: 2q31.1.
Variant type: single nucleotide variant.
Coding change: c.881A>T on transcript NM_031942.5 (MANE Select); coding-DNA position 881, A replaced by T.
Protein change: p.Asp294Val; replaces aspartic acid 294 with valine.
Molecular consequence: missense variant.
Genome position (GRCh38, 1-based): chr2:173,364,976, A>T. VCF-style: chr2-173364976-A-T. GRCh37 (hg19) VCF-style: chr2-174229704-A-T.
Other names: c.644A>T, p.Asp215Val (NM_145810.3); short protein forms D215V, D294V.
Identifiers: ClinVar variation 797455 (VCV000797455.11), dbSNP rs138353896, ClinGen allele CA1971359.
Genomic context (GRCh38, chr2:173,364,976, plus strand): 5'-CCATGGAGGAGGAGGAGGAAGAGGATAAGTACATGTTGGTGAGAAAGAGGAAGACCGTGG[A>T]TGGCTACATGAATGTGAGTTCTCCGCATTGGTACTTGCTCTTCTGATTCTCATCTTCGGT-3'
Protein context (NP_114148.3, residues 284-304): YMLVRKRKTV[Asp294Val]GYMNEDDLPR

ClinVar aggregate classification (germline): Likely benign. Review status: criteria provided, single submitter (1 of 4 stars). 2 submissions from 2 submitters: Likely benign (1). 1 of the submissions does not count toward it. Last evaluated 2026-01-28.

Conditions:
CDCA7-related disorder. Also called: CDCA7-related condition.

Allele frequency attached by ClinVar (database versions not stated): ESP Exome Variant Server 0.00008; gnomAD 0.00019 and 0.00023; TOPMed 0.00029; ExAC 0.00040; gnomAD exomes 0.00042; 1000 Genomes Project 30x 0.00094; 1000 Genomes Project 0.00120.

Submissions (2):

Labcorp Genetics (formerly Invitae), Labcorp
Classification: Likely benign. Last evaluated: 2026-01-28. Review status: criteria provided, single submitter. Criteria: Invitae Variant Classification Sherloc (09022015). Collection method: clinical testing. Allele origin: germline.

PreventionGenetics, part of Exact Sciences
Classification: Likely benign for CDCA7-related condition. Last evaluated: 2021-02-04. Review status: no assertion criteria provided. Collection method: clinical testing. Allele origin: germline. Not counted in ClinVar's aggregate classification.
Comment: This variant is classified as likely benign based on ACMG/AMP sequence variant interpretation guidelines (Richards et al. 2015 PMID: 25741868, with internal and published modifications).